The following is an entry in ClinVar:

NM_032776.3(JMJD1C):c.6805G>A (p.Asp2269Asn)

Gene: JMJD1C (jumonji domain containing 1C; minus strand). Cytogenetic location: 10q21.3.
Variant type: single nucleotide variant.
Coding change: c.6805G>A on transcript NM_032776.3 (MANE Select); coding-DNA position 6805, G replaced by A.
Protein change: p.Asp2269Asn; replaces aspartic acid 2269 with asparagine.
Molecular consequence: missense variant. On other transcripts: non-coding transcript variant (1).
Genome position (GRCh38, 1-based): chr10:63,185,588, C>T on the plus strand (G>A on the coding strand, the complement: JMJD1C is on the minus strand). VCF-style: chr10-63185588-C-T. GRCh37 (hg19) VCF-style: chr10-64945348-C-T.
Other names: c.6259G>A, p.Asp2087Asn (NM_001282948.2, NM_001318154.2); c.5941G>A, p.Asp1981Asn (NM_001318153.2); c.6691G>A, p.Asp2231Asn (NM_001322252.2); c.6148G>A, p.Asp2050Asn (NM_001322254.2, NM_001322258.2); short protein forms D1981N, D2087N, D2050N, D2231N, D2269N.
Identifiers: ClinVar variation 2727058 (VCV002727058.3), dbSNP rs2492352941, ClinGen allele CA377021639.

ClinVar aggregate classification (germline): Uncertain significance (1 of 4 stars; one submission).

Conditions:
Early Myoclonic Encephalopathy. Identifiers: MedGen C0270855.

Submission:

Labcorp Genetics (formerly Invitae), Labcorp
Classification: Uncertain significance for Early Myoclonic Encephalopathy. Last evaluated: 2023-06-24. Review status: criteria provided, single submitter. Criteria: Invitae Variant Classification Sherloc (09022015). Collection method: clinical testing. Allele origin: germline.
Comment: This sequence change replaces aspartic acid, which is acidic and polar, with asparagine, which is neutral and polar, at codon 2269 of the JMJD1C protein (p.Asp2269Asn). This variant is not present in population databases (gnomAD no frequency). This variant has not been reported in the literature in individuals affected with JMJD1C-related conditions. Advanced modeling of protein sequence and biophysical properties (such as structural, functional, and spatial information, amino acid conservation, physicochemical variation, residue mobility, and thermodynamic stability) performed at Invitae indicates that this missense variant is expected to disrupt JMJD1C protein function. In summary, the available evidence is currently insufficient to determine the role of this variant in disease. Therefore, it has been classified as a Variant of Uncertain Significance.